The following is an entry in ClinVar:

ClinVar aggregate classification (germline): Pathogenic (1 of 4 stars; one submission).

Conditions:
Immunodeficiency, common variable, 12 (CVID12). Also called: NFKB1 DEFICIENCY; IMMUNODEFICIENCY, COMMON VARIABLE, 12, WITH AUTOIMMUNITY. Identifiers: Orphanet 1572, Orphanet 696874, MedGen C4225277, MONDO:0014697, OMIM 616576.

Submission:

Mendelics
Classification: Pathogenic for Immunodeficiency, common variable, 12. Last evaluated: 2026-03-05. Review status: criteria provided, single submitter. Criteria: ACMG Guidelines, 2015. Collection method: clinical testing. Allele origin: unknown.
Comment: Likely pathogenic/Pathogenic according to ACMG criteria.

NM_003998.4(NFKB1):c.846del (p.Ile283fs)

Gene: NFKB1 (nuclear factor kappa B subunit 1; plus strand). Cytogenetic location: 4q24.
Variant type: Deletion.
Coding change: c.846del on transcript NM_003998.4 (MANE Select); coding-DNA position 846, one base deleted (G; older notation c.846delG).
Protein change: p.Ile283fs; shifts the reading frame from isoleucine 283.
Molecular consequence: frameshift variant.
Genome position (GRCh38, 1-based): chr4:102,582,876, G deleted. VCF-style (leftmost placement, unchanged base first): chr4-102582875-AG-A. GRCh37 (hg19) VCF-style: chr4-103504032-AG-A.
Other names: c.846del, p.Ile283fs (NM_001382625.1, NM_001382626.1); c.843del, p.Ile282fs (NM_001382627.1, NM_001165412.2, NM_001319226.2); c.804del, p.Ile269fs (NM_001382628.1); short protein forms I269fs, I282fs, I283fs.
Identifiers: ClinVar variation 4813539 (VCV004813539.1).